The following is an entry in ClinVar:

NM_020821.3(VPS13C):c.7739A>G (p.His2580Arg)

Gene: VPS13C (vacuolar protein sorting 13 homolog C; minus strand). Cytogenetic location: 15q22.2.
Variant type: single nucleotide variant.
Coding change: c.7739A>G on transcript NM_020821.3 (MANE Select); coding-DNA position 7739, A replaced by G.
Protein change: p.His2580Arg; replaces histidine 2580 with arginine.
Molecular consequence: missense variant.
Genome position (GRCh38, 1-based): chr15:61,918,157, T>C on the plus strand (A>G on the coding strand, the complement: VPS13C is on the minus strand). VCF-style: chr15-61918157-T-C. GRCh37 (hg19) VCF-style: chr15-62210356-T-C.
Other names: c.7739A>G, p.His2580Arg (NM_001018088.3); c.7610A>G, p.His2537Arg (NM_017684.5, NM_018080.4); short protein forms H2580R, H2537R.
Identifiers: ClinVar variation 2187503 (VCV002187503.1), dbSNP rs777978616, ClinGen allele CA7595178.

ClinVar aggregate classification (germline): Uncertain significance (1 of 4 stars; one submission).

Allele frequency attached by ClinVar (database versions not stated): TOPMed below 0.00001; gnomAD 0.00001; gnomAD exomes 0.00001; ExAC 0.00002.
gnomAD v4.1: 12 of 1,596,554 alleles (0.00075%); highest among the groups gnomAD compares: Admixed American, 0.0036%; no homozygotes.

Submission:

Labcorp Genetics (formerly Invitae), Labcorp
Classification: Uncertain significance. Last evaluated: 2022-07-23. Review status: criteria provided, single submitter. Criteria: Invitae Variant Classification Sherloc (09022015). Collection method: clinical testing. Allele origin: germline.
Comment: This sequence change replaces histidine, which is basic and polar, with arginine, which is basic and polar, at codon 2580 of the VPS13C protein (p.His2580Arg). This variant is present in population databases (rs777978616, gnomAD 0.007%). This variant has not been reported in the literature in individuals affected with VPS13C-related conditions. Algorithms developed to predict the effect of missense changes on protein structure and function are either unavailable or do not agree on the potential impact of this missense change (SIFT: "Tolerated"; PolyPhen-2: "Possibly Damaging"; Align-GVGD: "Class C0"). In summary, the available evidence is currently insufficient to determine the role of this variant in disease. Therefore, it has been classified as a Variant of Uncertain Significance.